The following is an entry in ClinVar:

NM_017780.4(CHD7):c.2547T>A (p.Asp849Glu)

Gene: CHD7 (chromodomain helicase DNA binding protein 7; plus strand). Cytogenetic location: 8q12.2.
Variant type: single nucleotide variant.
Coding change: c.2547T>A on transcript NM_017780.4 (MANE Select); coding-DNA position 2547, T replaced by A.
Protein change: p.Asp849Glu; replaces aspartic acid 849 with glutamic acid.
Molecular consequence: missense variant. On other transcripts: intron variant (1).
Genome position (GRCh38, 1-based): chr8:60,816,435, T>A. VCF-style: chr8-60816435-T-A. GRCh37 (hg19) VCF-style: chr8-61728994-T-A.
Other names: c.1716+35385T>A (NM_001316690.1); short protein forms D849E.
Identifiers: ClinVar variation 3731490 (VCV003731490.1).

ClinVar aggregate classification (germline): Uncertain significance (1 of 4 stars; one submission).

Conditions:
CHARGE syndrome (CHARGE). Also called: Hittner Hirsch Kreh syndrome; CHARGE ASSOCIATION--COLOBOMA, HEART ANOMALY, CHOANAL ATRESIA, RETARDATION, GENITAL AND EAR ANOMALIES; Coloboma, heart anomaly, choanal atresia, retardation, genital and ear anomalies; CHARGE association; Hall-Hittner syndrome. Identifiers: Orphanet 138, MedGen C0265354, MONDO:0008965.

Submission:

Neuberg Centre For Genomic Medicine, NCGM
Classification: Uncertain significance for CHD7-related CHARGE syndrome. Review status: criteria provided, single submitter. Criteria: ACMG Guidelines, 2015. Collection method: clinical testing. Allele origin: germline. Inheritance: Autosomal dominant inheritance. Affected: yes.
Comment: The missense c.2547T>A (p.Asp849Glu) variant in CHD7 gene has not been reported previously as a pathogenic variant nor as a benign variant, to our knowledge. The p.Asp849Glu variant is absent in gnomAD Exomes. This variant has not been submitted to the ClinVar database. Multiple lines of computational evidence (Polyphen - Probably Damaging, SIFT - Damaging and MutationTaster - Disease causing) predict a damaging effect on protein structure and function for this variant. The reference amino acid at this position on CHD7 is predicted as conserved by GERP++ and PhyloP across 100 vertebrates. The amino acid Asp at position 849 is changed to a Glu changing protein sequence and it might alter its composition and physico-chemical properties. For these reasons, this variant has been classified as a Variant of Uncertain Significance (VUS).